The following is an entry in ClinVar:

ClinVar aggregate classification (germline): Uncertain significance (1 of 4 stars; one submission).

Allele frequency attached by ClinVar (database versions not stated): TOPMed 0.00003; ExAC 0.00019.
gnomAD v4.1: 21 of 1,592,384 alleles (0.0013%); highest among the groups gnomAD compares: Admixed American, 0.012%; no homozygotes.

Submissions (2):

Labcorp Genetics (formerly Invitae), Labcorp
Classification: Uncertain significance. Last evaluated: 2023-12-25. Review status: criteria provided, single submitter. Criteria: Invitae Variant Classification Sherloc (09022015). Collection method: clinical testing. Allele origin: germline.
Comment: This sequence change replaces arginine, which is basic and polar, with tryptophan, which is neutral and slightly polar, at codon 1177 of the COL18A1 protein (p.Arg1177Trp). The frequency data for this variant in the population databases is considered unreliable, as metrics indicate poor data quality at this position in the gnomAD database. This variant has not been reported in the literature in individuals affected with COL18A1-related conditions. ClinVar contains an entry for this variant (Variation ID: 1346208). Experimental studies and prediction algorithms are not available or were not evaluated, and the functional significance of this variant is currently unknown. In summary, the available evidence is currently insufficient to determine the role of this variant in disease. Therefore, it has been classified as a Variant of Uncertain Significance.

Dr. Peter K. Rogan Lab, Western University
No classification provided (evidence only). Condition: Thyroid cancer, nonmedullary, 1. Review status: no classification provided. Collection method: in vitro. Allele origin: not applicable. Functional consequence: retained intron. Not counted in ClinVar's aggregate classification.

NM_001379500.1(COL18A1):c.3538C>T (p.Arg1180Trp)

Genes: COL18A1 (collagen type XVIII alpha 1 chain; plus strand), SLC19A1 (solute carrier family 19 member 1; minus strand). Cytogenetic location: 21q22.3.
Variant type: single nucleotide variant.
Coding change: c.3538C>T on transcript NM_001379500.1 (MANE Select); coding-DNA position 3538, C replaced by T.
Protein change: p.Arg1180Trp; replaces arginine 1180 with tryptophan.
Molecular consequence: missense variant.
Genome position (GRCh38, 1-based): chr21:45,510,106, C>T. VCF-style: chr21-45510106-C-T. GRCh37 (hg19) VCF-style: chr21-46930020-C-T.
Other names: c.4069C>T, p.Arg1357Trp (NM_030582.4); c.4774C>T, p.Arg1592Trp (NM_130444.3); short protein forms R1592W, R1180W, R1357W.
Identifiers: ClinVar variation 1346208 (VCV001346208.5), dbSNP rs747825364, ClinGen allele CA10067948.